The following is an entry in ClinVar:

ClinVar aggregate classification (germline): Uncertain significance. Review status: criteria provided, multiple submitters, no conflicts (2 of 4 stars). 3 submissions from 3 submitters: Uncertain significance (3). Last evaluated 2025-05-27.

Conditions:
Juvenile polyposis syndrome (JPS). Identifiers: Orphanet 2929, MedGen C0345893, MONDO:0017380, OMIM 174900.
Familial thoracic aortic aneurysm and aortic dissection (TAAD). Also called: Thoracic aortic aneurysms and dissections. Identifiers: Orphanet 91387, MedGen C4707243, MONDO:0019625.
Hereditary cancer-predisposing syndrome. Also called: Hereditary Cancer Syndrome; Hereditary neoplastic syndrome; Neoplastic Syndromes, Hereditary; Tumor predisposition. Identifiers: Orphanet 140162, MedGen C0027672, MeSH D009386, MONDO:0015356.

Submissions (3):

Ambry Genetics
Classification: Uncertain significance for Hereditary cancer-predisposing syndrome; Familial thoracic aortic aneurysm and aortic dissection. Last evaluated: 2025-05-27. Review status: criteria provided, single submitter. Criteria: Ambry Variant Classification Scheme 2023. Collection method: clinical testing. Allele origin: germline.
Comment: The p.S206A variant (also known as c.616T>G), located in coding exon 4 of the SMAD4 gene, results from a T to G substitution at nucleotide position 616. The serine at codon 206 is replaced by alanine, an amino acid with similar properties. This amino acid position is well conserved in available vertebrate species. In addition, this alteration is predicted to be tolerated by in silico analysis. Since supporting evidence is limited at this time, the clinical significance of this alteration remains unclear.

Labcorp Genetics (formerly Invitae), Labcorp
Classification: Uncertain significance for Juvenile polyposis syndrome. Last evaluated: 2024-08-05. Review status: criteria provided, single submitter. Criteria: Invitae Variant Classification Sherloc (09022015). Collection method: clinical testing. Allele origin: germline.
Comment: This sequence change replaces serine, which is neutral and polar, with alanine, which is neutral and non-polar, at codon 206 of the SMAD4 protein (p.Ser206Ala). This variant is not present in population databases (gnomAD no frequency). This variant has not been reported in the literature in individuals affected with SMAD4-related conditions. ClinVar contains an entry for this variant (Variation ID: 924052). Advanced modeling of protein sequence and biophysical properties (such as structural, functional, and spatial information, amino acid conservation, physicochemical variation, residue mobility, and thermodynamic stability) performed at Invitae indicates that this missense variant is not expected to disrupt SMAD4 protein function with a negative predictive value of 95%. In summary, the available evidence is currently insufficient to determine the role of this variant in disease. Therefore, it has been classified as a Variant of Uncertain Significance.

Color Diagnostics, LLC DBA Color Health
Classification: Uncertain significance for Hereditary cancer-predisposing syndrome. Last evaluated: 2024-03-06. Review status: criteria provided, single submitter. Criteria: ACMG Guidelines, 2015. Collection method: clinical testing. Allele origin: germline.
Comment: This missense variant replaces serine with alanine at codon 206 of the SMAD4 protein. Computational prediction suggests that this variant may not impact protein structure and function (internally defined REVEL score threshold <= 0.5, PMID: 27666373). Splice site prediction tools suggest that this variant may not impact RNA splicing. To our knowledge, functional studies have not been performed for this variant. This variant has not been reported in individuals affected with hereditary cancer in the literature. This variant has not been identified in the general population by the Genome Aggregation Database (gnomAD). The available evidence is insufficient to determine the role of this variant in disease conclusively. Therefore, this variant is classified as a Variant of Uncertain Significance.

NM_005359.6(SMAD4):c.616T>G (p.Ser206Ala)

Gene: SMAD4 (SMAD family member 4; plus strand). Cytogenetic location: 18q21.2.
Variant type: single nucleotide variant.
Coding change: c.616T>G on transcript NM_005359.6 (MANE Select); coding-DNA position 616, T replaced by G.
Protein change: p.Ser206Ala; replaces serine 206 with alanine.
Molecular consequence: missense variant.
Genome position (GRCh38, 1-based): chr18:51,054,942, T>G. VCF-style: chr18-51054942-T-G. GRCh37 (hg19) VCF-style: chr18-48581312-T-G.
Other names: short protein forms S206A.
Identifiers: ClinVar variation 924052 (VCV000924052.10), dbSNP rs1909800988, ClinGen allele CA402461177.